The following is an entry in ClinVar:

NM_183357.3(ADCY5):c.2976C>G (p.Ile992Met)

Gene: ADCY5 (adenylate cyclase 5; minus strand). Cytogenetic location: 3q21.1.
Variant type: single nucleotide variant.
Coding change: c.2976C>G on transcript NM_183357.3 (MANE Select); coding-DNA position 2976, C replaced by G.
Protein change: p.Ile992Met; replaces isoleucine 992 with methionine.
Molecular consequence: missense variant.
Genome position (GRCh38, 1-based): chr3:123,296,171, G>C on the plus strand (C>G on the coding strand, the complement: ADCY5 is on the minus strand). VCF-style: chr3-123296171-G-C. GRCh37 (hg19) VCF-style: chr3-123015018-G-C.
Other names: c.1926C>G, p.Ile642Met (NM_001199642.1); c.3051C>G, p.Ile1017Met (NM_001378259.1); short protein forms I992M, I642M, I1017M.
Identifiers: ClinVar variation 1970706 (VCV001970706.9), dbSNP rs1439656936, ClinGen allele CA354224185.

ClinVar aggregate classification (germline): Uncertain significance. Review status: criteria provided, multiple submitters, no conflicts (2 of 4 stars). 3 submissions from 3 submitters: Uncertain significance (3). Last evaluated 2024-05-01.

Conditions:
Inborn genetic diseases. Identifiers: MedGen C0950123, MeSH D030342.

Allele frequency attached by ClinVar (database versions not stated): gnomAD 0.00001.
gnomAD v4.1: 10 of 1,613,846 alleles (0.00062%); highest among the groups gnomAD compares: African/African-American, 0.0053%; no homozygotes.

Submissions (3):

GeneDx
Classification: Uncertain significance. Last evaluated: 2024-05-01. Review status: criteria provided, single submitter. Criteria: GeneDx Variant Classification Process June 2021. Collection method: clinical testing. Allele origin: germline. Affected: yes.
Comment: Not observed at significant frequency in large population cohorts (gnomAD); In silico analysis indicates that this missense variant does not alter protein structure/function; Has not been previously published as pathogenic or benign to our knowledge

Labcorp Genetics (formerly Invitae), Labcorp
Classification: Uncertain significance. Last evaluated: 2022-06-19. Review status: criteria provided, single submitter. Criteria: Invitae Variant Classification Sherloc (09022015). Collection method: clinical testing. Allele origin: germline.
Comment: In summary, the available evidence is currently insufficient to determine the role of this variant in disease. Therefore, it has been classified as a Variant of Uncertain Significance. Advanced modeling of protein sequence and biophysical properties (such as structural, functional, and spatial information, amino acid conservation, physicochemical variation, residue mobility, and thermodynamic stability) performed at Invitae indicates that this missense variant is not expected to disrupt ADCY5 protein function. This variant has not been reported in the literature in individuals affected with ADCY5-related conditions. This variant is not present in population databases (gnomAD no frequency). This sequence change replaces isoleucine, which is neutral and non-polar, with methionine, which is neutral and non-polar, at codon 992 of the ADCY5 protein (p.Ile992Met).

Ambry Genetics
Classification: Uncertain significance for Inborn genetic diseases. Last evaluated: 2022-02-25. Review status: criteria provided, single submitter. Criteria: Ambry Variant Classification Scheme 2023. Collection method: clinical testing. Allele origin: germline.